The following is an entry in ClinVar:

ClinVar aggregate classification (germline): Uncertain significance (1 of 4 stars; one submission).

Conditions:
DICER1-related tumor predisposition. Also called: DICER1-related pleuropulmonary blastoma cancer predisposition syndrome; DICER1 syndrome. Identifiers: Orphanet 284343, MedGen C3839822, MONDO:0100216.

Submission:

Labcorp Genetics (formerly Invitae), Labcorp
Classification: Uncertain significance for DICER1-related tumor predisposition. Last evaluated: 2024-02-19. Review status: criteria provided, single submitter. Criteria: Invitae Variant Classification Sherloc (09022015). Collection method: clinical testing. Allele origin: germline.
Comment: This sequence change replaces lysine, which is basic and polar, with asparagine, which is neutral and polar, at codon 1751 of the DICER1 protein (p.Lys1751Asn). This variant is not present in population databases (gnomAD no frequency). This variant has not been reported in the literature in individuals affected with DICER1-related conditions. Advanced modeling of protein sequence and biophysical properties (such as structural, functional, and spatial information, amino acid conservation, physicochemical variation, residue mobility, and thermodynamic stability) performed at Invitae indicates that this missense variant is expected to disrupt DICER1 protein function with a positive predictive value of 80%. In summary, the available evidence is currently insufficient to determine the role of this variant in disease. Therefore, it has been classified as a Variant of Uncertain Significance.

NM_177438.3(DICER1):c.5253G>T (p.Lys1751Asn)

Gene: DICER1 (dicer 1, ribonuclease III; minus strand). Cytogenetic location: 14q32.13.
Variant type: single nucleotide variant.
Coding change: c.5253G>T on transcript NM_177438.3 (MANE Select); coding-DNA position 5253, G replaced by T.
Protein change: p.Lys1751Asn; replaces lysine 1751 with asparagine.
Molecular consequence: missense variant. On other transcripts: non-coding transcript variant (6).
Genome position (GRCh38, 1-based): chr14:95,093,999, C>A on the plus strand (G>T on the coding strand, the complement: DICER1 is on the minus strand). VCF-style: chr14-95093999-C-A. GRCh37 (hg19) VCF-style: chr14-95560336-C-A.
Other names: c.5253G>T, p.Lys1751Asn (NM_001195573.1, NM_001271282.3, NM_001291628.2 and 8 more transcripts); c.4971G>T, p.Lys1657Asn (NM_001395686.1); c.4848G>T, p.Lys1616Asn (NM_001395687.1, NM_001395688.1, NM_001395689.1 and 1 more transcripts); c.4686G>T, p.Lys1562Asn (NM_001395691.1); c.3570G>T, p.Lys1190Asn (NM_001395697.1); short protein forms K1657N, K1616N, K1562N, K1751N, K1190N.
Identifiers: ClinVar variation 3699291 (VCV003699291.2).
Genomic context (GRCh38, chr14:95,093,999, plus strand): 5'-GTCATCAATGACATGGAAGAGCTCAGGAGAGACAGCTTTGAAGTACTTGTGGTAGTCGTA[C>A]TTTACAGCCAGCGATGCAAAGATGGTGTTGTTGACCAGGGCAGACCGCAGGTCTGTCAGG-3'
Protein context (NP_803187.1, residues 1741-1761): NNTIFASLAV[Lys1751Asn]YDYHKYFKAV